The following is an entry in ClinVar:

NM_181672.3(OGT):c.2695C>T (p.Arg899Cys)

Gene: OGT (O-linked N-acetylglucosamine (GlcNAc) transferase; plus strand). Cytogenetic location: Xq13.1.
Variant type: single nucleotide variant.
Coding change: c.2695C>T on transcript NM_181672.3 (MANE Select); coding-DNA position 2695, C replaced by T.
Protein change: p.Arg899Cys; replaces arginine 899 with cysteine.
Molecular consequence: missense variant.
Genome position (GRCh38, 1-based): chrX:71,567,605, C>T. VCF-style: chrX-71567605-C-T. GRCh37 (hg19) VCF-style: chrX-70787455-C-T.
Other names: c.2665C>T, p.Arg889Cys (NM_181673.3); short protein forms R889C, R899C.
Identifiers: ClinVar variation 2220963 (VCV002220963.2), dbSNP rs772525369, ClinGen allele CA10447813.
Genomic context (GRCh38, chrX:71,567,605, plus strand): 5'-CCAGCAGTAGGAGAACCTAATATTCAACAGTATGCACAAAACATGGGCCTGCCCCAGAAC[C>T]GTATCATTTTTTCACCTGTTGCTCCTAAAGAGGAACACGTCAGGAGAGGCCAGCTGGCTG-3'
Protein context (NP_858058.1, residues 889-909): YAQNMGLPQN[Arg899Cys]IIFSPVAPKE

ClinVar aggregate classification (germline): Uncertain significance (1 of 4 stars; one submission).

Conditions:
Inborn genetic diseases. Identifiers: MedGen C0950123, MeSH D030342.

Allele frequency attached by ClinVar (database versions not stated): ExAC 0.00001; gnomAD 0.00001; gnomAD exomes 0.00001; TOPMed 0.00001.
gnomAD v4.1: 7 of 1,209,482 alleles (0.00058%); highest among the groups gnomAD compares: Non-Finnish European, 0.00078%; no homozygotes.

Submission:

Ambry Genetics
Classification: Uncertain significance for Inborn genetic diseases. Last evaluated: 2022-06-01. Review status: criteria provided, single submitter. Criteria: Ambry Variant Classification Scheme 2023. Collection method: clinical testing. Allele origin: germline.
Comment: The c.2695C>T (p.R899C) alteration is located in exon 20 (coding exon 20) of the OGT gene. This alteration results from a C to T substitution at nucleotide position 2695, causing the arginine (R) at amino acid position 899 to be replaced by a cysteine (C). Based on data from gnomAD, the T allele has an overall frequency of 0.001% (2/183019) total alleles studied, with 1 hemizygote observed. The highest observed frequency was 0.002% (2/81750) of European (non-Finnish) alleles. This amino acid position is highly conserved in available vertebrate species. This missense alteration is located in a region that has a low rate of benign missense variation (Lek, 2016; Firth, 2009). The in silico prediction for this alteration is inconclusive. Based on insufficient or conflicting evidence, the clinical significance of this alteration remains unclear.